The following is an entry in ClinVar:

NM_014991.6(WDFY3):c.5500A>G (p.Asn1834Asp)

Gene: WDFY3 (WD repeat and FYVE domain containing 3; minus strand). Cytogenetic location: 4q21.23.
Variant type: single nucleotide variant.
Coding change: c.5500A>G on transcript NM_014991.6 (MANE Select); coding-DNA position 5500, A replaced by G.
Protein change: p.Asn1834Asp; replaces asparagine 1834 with aspartic acid.
Molecular consequence: missense variant.
Genome position (GRCh38, 1-based): chr4:84,755,325, T>C on the plus strand (A>G on the coding strand, the complement: WDFY3 is on the minus strand). VCF-style: chr4-84755325-T-C. GRCh37 (hg19) VCF-style: chr4-85676478-T-C.
Other names: short protein forms N1834D.
Identifiers: ClinVar variation 2500424 (VCV002500424.2), dbSNP rs2532497836, ClinGen allele CA357562914.

ClinVar aggregate classification (germline): Uncertain significance (1 of 4 stars; one submission).

Submission:

GeneDx
Classification: Uncertain significance. Last evaluated: 2024-11-27. Review status: criteria provided, single submitter. Criteria: GeneDx Variant Classification Process June 2021. Collection method: clinical testing. Allele origin: germline.
Comment: Not observed at significant frequency in large population cohorts (gnomAD); In silico analysis indicates that this missense variant does not alter protein structure/function; Has not been previously published as pathogenic or benign to our knowledge